The following is an entry in ClinVar:

NM_001170629.2(CHD8):c.5414A>G (p.Asp1805Gly)

Gene: CHD8 (chromodomain helicase DNA binding protein 8; minus strand). Cytogenetic location: 14q11.2.
Variant type: single nucleotide variant.
Coding change: c.5414A>G on transcript NM_001170629.2 (MANE Select); coding-DNA position 5414, A replaced by G.
Protein change: p.Asp1805Gly; replaces aspartic acid 1805 with glycine.
Molecular consequence: missense variant.
Genome position (GRCh38, 1-based): chr14:21,394,462, T>C on the plus strand (A>G on the coding strand, the complement: CHD8 is on the minus strand). VCF-style: chr14-21394462-T-C. GRCh37 (hg19) VCF-style: chr14-21862621-T-C.
Other names: c.4577A>G, p.Asp1526Gly (NM_020920.4); short protein forms D1526G, D1805G.
Identifiers: ClinVar variation 1676432 (VCV001676432.2), dbSNP rs773818606, ClinGen allele CA7090958.

ClinVar aggregate classification (germline): Uncertain significance (1 of 4 stars; one submission).

gnomAD v4.1: 2 of 1,604,100 alleles (0.00012%); highest among the groups gnomAD compares: Admixed American, 0.0035%; no homozygotes.

Submission:

GeneDx
Classification: Uncertain significance. Last evaluated: 2022-03-28. Review status: criteria provided, single submitter. Criteria: GeneDx Variant Classification Process June 2021. Collection method: clinical testing. Allele origin: germline. Affected: yes.
Comment: In silico analysis supports that this missense variant has a deleterious effect on protein structure/function; Has not been previously published as pathogenic or benign to our knowledge